The following is an entry in ClinVar:

ClinVar aggregate classification (germline): Uncertain significance (1 of 4 stars; one submission).

Conditions:
Cardiovascular phenotype. Identifiers: MedGen CN230736.

Allele frequency attached by ClinVar (database versions not stated): gnomAD exomes below 0.00001.
gnomAD v4.1: 1 of 1,613,232 alleles (0.000062%); highest among the groups gnomAD compares: African/African-American, 0.0013%; no homozygotes.

Submission:

Ambry Genetics
Classification: Uncertain significance for Cardiovascular phenotype. Last evaluated: 2023-01-03. Review status: criteria provided, single submitter. Criteria: Ambry Variant Classification Scheme 2023. Collection method: clinical testing. Allele origin: germline.
Comment: The p.W318C variant (also known as c.954G>C), located in coding exon 10 of the CASQ2 gene, results from a G to C substitution at nucleotide position 954. The tryptophan at codon 318 is replaced by cysteine, an amino acid with highly dissimilar properties. This amino acid position is highly conserved in available vertebrate species. In addition, this alteration is predicted to be deleterious by in silico analysis. Since supporting evidence is limited at this time, the clinical significance of this alteration remains unclear.

NM_001232.4(CASQ2):c.954G>C (p.Trp318Cys)

Gene: CASQ2 (calsequestrin 2; minus strand). Cytogenetic location: 1p13.1.
Variant type: single nucleotide variant.
Coding change: c.954G>C on transcript NM_001232.4 (MANE Select); coding-DNA position 954, G replaced by C.
Protein change: p.Trp318Cys; replaces tryptophan 318 with cysteine.
Molecular consequence: missense variant.
Genome position (GRCh38, 1-based): chr1:115,702,981, C>G on the plus strand (G>C on the coding strand, the complement: CASQ2 is on the minus strand). VCF-style: chr1-115702981-C-G. GRCh37 (hg19) VCF-style: chr1-116245602-C-G.
Other names: short protein forms W318C.
Identifiers: ClinVar variation 2450447 (VCV002450447.2), dbSNP rs2101053815, ClinGen allele CA341766700.